The following is an entry in ClinVar:

NM_001048174.2(MUTYH):c.1435-7T>C

Gene: MUTYH (mutY DNA glycosylase; minus strand). Cytogenetic location: 1p34.1.
Variant type: single nucleotide variant.
Coding change: c.1435-7T>C on transcript NM_001048174.2 (MANE Select); 7 bases into the intron before coding-DNA position 1435, T replaced by C.
Molecular consequence: intron variant.
Genome position (GRCh38, 1-based): chr1:45,329,444, A>G on the plus strand (T>C on the coding strand, the complement: MUTYH is on the minus strand). VCF-style: chr1-45329444-A-G. GRCh37 (hg19) VCF-style: chr1-45795116-A-G.
Other names: c.1090-7T>C (NM_001350651.2, NM_001350650.2); c.1159-7T>C (NM_001293192.2, NM_001293196.2); c.1435-7T>C (NM_001048171.2, NM_001048173.2, NM_001293195.2); c.1480-7T>C (NM_001293190.2); c.1510-7T>C (NM_012222.3); c.1519-7T>C (NM_001128425.2); c.1438-7T>C (NM_001048172.2); c.1468-7T>C (NM_001293191.2).
Identifiers: ClinVar variation 1144710 (VCV001144710.13), dbSNP rs1396143193, ClinGen allele CA522560154.

ClinVar aggregate classification (germline): Likely benign. Review status: criteria provided, multiple submitters, no conflicts (2 of 4 stars). 4 submissions from 4 submitters: Likely benign (4). Last evaluated 2025-09-01.

Conditions:
Familial adenomatous polyposis 2. Also called: COLORECTAL ADENOMATOUS POLYPOSIS, AUTOSOMAL RECESSIVE; ADENOMAS, MULTIPLE COLORECTAL, AUTOSOMAL RECESSIVE; MYH-associated polyposis; FAP type 2; MUTYH-associated polyposis; MUTYH-related attenuated familial adenomatous polyposis. Identifiers: Orphanet 220460, Orphanet 247798, MedGen C3272841, MONDO:0012041, OMIM 608456.
Hereditary cancer-predisposing syndrome. Also called: Tumor predisposition; Hereditary Cancer Syndrome; Hereditary neoplastic syndrome; Neoplastic Syndromes, Hereditary. Identifiers: Orphanet 140162, MedGen C0027672, MeSH D009386, MONDO:0015356.

Allele frequency attached by ClinVar (database versions not stated): gnomAD exomes below 0.00001 and 0.00001; TOPMed below 0.00001.

Submissions (4):

Labcorp Genetics (formerly Invitae), Labcorp
Classification: Likely benign for Familial adenomatous polyposis 2. Last evaluated: 2025-09-01. Review status: criteria provided, single submitter. Criteria: Invitae Variant Classification Sherloc (09022015). Collection method: clinical testing. Allele origin: germline.

All of Us Research Program, National Institutes of Health
Classification: Likely benign for Familial adenomatous polyposis 2. Last evaluated: 2023-02-15. Review status: criteria provided, single submitter. Criteria: ACMG Guidelines, 2015. Collection method: clinical testing. Allele origin: germline. Inheritance: Autosomal recessive inheritance. Observed: 1 variant allele, 1 heterozygote.
Comment: This study involves interpretation of variants in research participants for the purpose of population health screening. Participant phenotype was not available at the time of variant classification. Additional details can be found in publication PMID: 35346344, PMCID: PMC8962531

Color Diagnostics, LLC DBA Color Health
Classification: Likely benign for Hereditary cancer-predisposing syndrome. Last evaluated: 2022-10-10. Review status: criteria provided, single submitter. Criteria: ACMG Guidelines, 2015. Collection method: clinical testing. Allele origin: germline.

Quest Diagnostics Nichols Institute San Juan Capistrano
Classification: Likely benign. Last evaluated: 2021-06-18. Review status: criteria provided, single submitter. Criteria: Quest Diagnostics criteria. Collection method: clinical testing. Allele origin: unknown.